The following is an entry in ClinVar:

ClinVar aggregate classification (germline): Uncertain significance (1 of 4 stars; one submission).

Conditions:
Polycystic kidney disease, adult type (PKD1). Also called: Polycystic Kidney, Autosomal Dominant; POLYCYSTIC KIDNEY DISEASE, ADULT, TYPE I; Polycystic Kidney Disease 1, Autosomal Dominant; Polycystic kidney disease 1; Polycystic kidney disease 1, severe; POLYCYSTIC KIDNEY DISEASE 1 WITH OR WITHOUT POLYCYSTIC LIVER DISEASE. Identifiers: MedGen C3149841, MONDO:0008263, OMIM 173900.

Submission:

Juno Genomics, Hangzhou Juno Genomics, Inc
Classification: Uncertain significance for Polycystic kidney disease, adult type. Review status: criteria provided, single submitter. Criteria: ACMG Guidelines, 2015. Collection method: clinical testing. Allele origin: germline. Affected: yes.
Comment: Absent from controls (or at extremely low frequency if recessive) in Genome Aggregation Database.;Multiple lines of computational evidence support a deleterious effect on the gene or gene product.;Patient's phenotype or family history is highly specific for a disease with a single genetic etiology.

NM_001009944.3(PKD1):c.9406G>A (p.Ala3136Thr)

Gene: PKD1 (polycystin 1, transient receptor potential channel interacting; minus strand). Cytogenetic location: 16p13.3.
Variant type: single nucleotide variant.
Coding change: c.9406G>A on transcript NM_001009944.3 (MANE Select); coding-DNA position 9406, G replaced by A.
Protein change: p.Ala3136Thr; replaces alanine 3136 with threonine.
Molecular consequence: missense variant.
Genome position (GRCh38, 1-based): chr16:2,100,558, C>T on the plus strand (G>A on the coding strand, the complement: PKD1 is on the minus strand). VCF-style: chr16-2100558-C-T. GRCh37 (hg19) VCF-style: chr16-2150559-C-T.
Other names: c.9406G>A, p.Ala3136Thr (NM_000296.4); short protein forms A3136T.
Identifiers: ClinVar variation 5018641 (VCV005018641.1).